The following is an entry in ClinVar:

NM_000059.4(BRCA2):c.6763dup (p.Thr2255fs)

Gene: BRCA2 (BRCA2 DNA repair associated; plus strand). Cytogenetic location: 13q13.1.
Variant type: Duplication.
Coding change: c.6763dup on transcript NM_000059.4 (MANE Select); coding-DNA position 6763, one base duplicated (A; older notation c.6763dupA).
Protein change: p.Thr2255fs; shifts the reading frame from threonine 2255.
Molecular consequence: frameshift variant.
Genome position (GRCh38, 1-based): chr13:32,341,118, A duplicated. VCF-style (leftmost placement, unchanged base first): chr13-32341117-T-TA. GRCh37 (hg19) VCF-style: chr13-32915254-T-TA.
Other names: c.6763dupA (NM_000059.3); short protein forms T2255fs.
Identifiers: ClinVar variation 254590 (VCV000254590.8), dbSNP rs886038155, ClinGen allele CA10586564.

ClinVar aggregate classification (germline): Pathogenic. Review status: reviewed by expert panel (3 of 4 stars). 3 submissions from 3 submitters: Pathogenic (1). 2 of the submissions do not count toward it. Last evaluated 2016-09-08.

Conditions:
Hereditary breast ovarian cancer syndrome. Also called: Hereditary breast and ovarian cancer; Breast and ovarian cancer; Hereditary breast and/or ovarian cancer syndrome; BRCA1- and BRCA2-Associated Hereditary Breast and Ovarian Cancer; Hereditary breast and ovarian cancer syndrome; Hereditary breast and ovarian cancer syndrome (HBOC). Identifiers: Orphanet 145, MedGen C0677776, MeSH D061325, MONDO:0003582. Disease mechanism: loss of function.
Breast-ovarian cancer, familial, susceptibility to, 2 (BROVCA2). Also called: BRCA2 Hereditary Breast and Ovarian Cancer. Identifiers: Orphanet 145, MedGen C2675520, MONDO:0012933, OMIM 612555. Disease mechanism: loss of function.

Submissions (3):

Evidence-based Network for the Interpretation of Germline Mutant Alleles (ENIGMA)
Classification: Pathogenic for Breast-ovarian cancer, familial, susceptibility to, 2. Last evaluated: 2016-09-08. Review status: reviewed by expert panel. Criteria: ENIGMA BRCA1/2 Classification Criteria (2015). Collection method: curation. Allele origin: germline.
Comment: Variant allele predicted to encode a truncated non-functional protein.

Labcorp Genetics (formerly Invitae), Labcorp
Classification: Pathogenic for Hereditary breast ovarian cancer syndrome. Last evaluated: 2023-03-21. Review status: criteria provided, single submitter. Criteria: Invitae Variant Classification Sherloc (09022015). Collection method: clinical testing. Allele origin: germline. Not counted in ClinVar's aggregate classification.
Comment: For these reasons, this variant has been classified as Pathogenic. ClinVar contains an entry for this variant (Variation ID: 254590). This premature translational stop signal has been observed in individual(s) with BRCA2-related conditions (PMID: 16683254, 29483665). This variant is not present in population databases (gnomAD no frequency). This sequence change creates a premature translational stop signal (p.Thr2255Asnfs*6) in the BRCA2 gene. It is expected to result in an absent or disrupted protein product. Loss-of-function variants in BRCA2 are known to be pathogenic (PMID: 20104584).

Consortium of Investigators of Modifiers of BRCA1/2 (CIMBA), c/o University of Cambridge
Classification: Pathogenic for Breast-ovarian cancer, familial, susceptibility to, 2. Last evaluated: 2015-10-02. Review status: criteria provided, single submitter. Criteria: CIMBA Mutation Classification guidelines May 2016. Collection method: clinical testing. Allele origin: germline. Not counted in ClinVar's aggregate classification.

Literature cited by the submitters: PubMed 16683254 (cited by Labcorp Genetics (formerly Invitae), Labcorp); PubMed 29483665 (cited by Labcorp Genetics (formerly Invitae), Labcorp); PubMed 20104584 (cited by Labcorp Genetics (formerly Invitae), Labcorp).